The following is an entry in ClinVar:

NM_000051.4(ATM):c.6397C>T (p.Gln2133Ter)

Genes: ATM (ATM serine/threonine kinase; plus strand), C11orf65 (chromosome 11 open reading frame 65; minus strand). Cytogenetic location: 11q22.3.
Variant type: single nucleotide variant.
Coding change: c.6397C>T on transcript NM_000051.4 (MANE Select); coding-DNA position 6397, C replaced by T.
Protein change: p.Gln2133Ter; replaces glutamine 2133 with a stop codon.
Molecular consequence: nonsense. On other transcripts: intron variant (2).
Genome position (GRCh38, 1-based): chr11:108,320,003, C>T. VCF-style: chr11-108320003-C-T. GRCh37 (hg19) VCF-style: chr11-108190730-C-T.
Other names: c.6397C>T, p.Gln2133Ter (NM_001351834.2); c.641-10932G>A (NM_001330368.2); c.*39-10932G>A (NM_001351110.2); short protein forms Q2133*.
Identifiers: ClinVar variation 229729 (VCV000229729.16), dbSNP rs876658163, ClinGen allele CA10579222.

ClinVar aggregate classification (germline): Pathogenic. Review status: criteria provided, multiple submitters, no conflicts (2 of 4 stars). 5 submissions from 5 submitters: Pathogenic (5). Last evaluated 2025-09-28.

Conditions:
Hereditary cancer-predisposing syndrome. Also called: Neoplastic Syndromes, Hereditary; Hereditary neoplastic syndrome; Tumor predisposition; Hereditary Cancer Syndrome. Identifiers: Orphanet 140162, MedGen C0027672, MeSH D009386, MONDO:0015356.
Ataxia-telangiectasia syndrome (AT). Also called: Ataxia telangiectasia (A-T); Cerebello-oculocutaneous telangiectasia; Immunodeficiency with ataxia telangiectasia; LOUIS-BAR SYNDROME; AT, COMPLEMENTATION GROUP C; ATAXIA-TELANGIECTASIA, FRESNO VARIANT. Identifiers: Orphanet 100, MedGen C0004135, MONDO:0008840, OMIM 208900.
Familial cancer of breast. Also called: hereditary breast carcinoma; Hereditary breast cancer; BREAST CANCER, FAMILIAL. Identifiers: Orphanet 227535, MedGen C0346153, MONDO:0016419, OMIM 114480. Disease mechanism: loss of function.

Allele frequency attached by ClinVar (database versions not stated): gnomAD exomes below 0.00001.
gnomAD v4.1: 2 of 1,612,740 alleles (0.00012%); highest among the groups gnomAD compares: Non-Finnish European, 0.00017%; no homozygotes.

Submissions (5):

Labcorp Genetics (formerly Invitae), Labcorp
Classification: Pathogenic for Ataxia-telangiectasia syndrome. Last evaluated: 2025-09-28. Review status: criteria provided, single submitter. Criteria: Invitae Variant Classification Sherloc (09022015). Collection method: clinical testing. Allele origin: germline.
Comment: This sequence change creates a premature translational stop signal (p.Gln2133*) in the ATM gene. It is expected to result in an absent or disrupted protein product. Loss-of-function variants in ATM are known to be pathogenic (PMID: 23807571, 25614872). This variant is not present in population databases (gnomAD no frequency). This variant has not been reported in the literature in individuals affected with ATM-related conditions. ClinVar contains an entry for this variant (Variation ID: 229729). RNA analysis performed to evaluate the impact of this premature translational stop signal on mRNA splicing indicates it does not significantly alter splicing (internal data). For these reasons, this variant has been classified as Pathogenic.

Myriad Genetics, Inc.
Classification: Pathogenic for Familial cancer of breast. Last evaluated: 2024-01-29. Review status: criteria provided, single submitter. Criteria: Myriad Autosomal Dominant, Autosomal Recessive and X-Linked Classification Criteria (2023). Collection method: clinical testing. Allele origin: unknown.
Comment: This variant is considered pathogenic. This variant creates a termination codon and is predicted to result in premature protein truncation.

Baylor Genetics
Classification: Pathogenic for Familial cancer of breast. Last evaluated: 2023-09-28. Review status: criteria provided, single submitter. Criteria: ACMG Guidelines, 2015. Collection method: clinical testing. Allele origin: unknown.

Ambry Genetics
Classification: Pathogenic for Hereditary cancer-predisposing syndrome. Last evaluated: 2023-09-25. Review status: criteria provided, single submitter. Criteria: Ambry Variant Classification Scheme 2023. Collection method: clinical testing. Allele origin: germline.
Comment: The p.Q2133* pathogenic mutation (also known as c.6397C>T), located in coding exon 43 of the ATM gene, results from a C to T substitution at nucleotide position 6397. This changes the amino acid from a glutamine to a stop codon within coding exon 43. This variant is considered to be rare based on population cohorts in the Genome Aggregation Database (gnomAD). This alteration is expected to result in loss of function by premature protein truncation or nonsense-mediated mRNA decay. As such, this alteration is interpreted as a disease-causing mutation.

GeneDx
Classification: Pathogenic. Last evaluated: 2022-12-08. Review status: criteria provided, single submitter. Criteria: GeneDx Variant Classification Process June 2021. Collection method: clinical testing. Allele origin: germline. Affected: yes.
Comment: Nonsense variant predicted to result in protein truncation or nonsense mediated decay in a gene for which loss of function is a known mechanism of disease; Not observed at significant frequency in large population cohorts (gnomAD); Truncating variants in this gene are considered pathogenic by a well-established clinical consortium and/or database; Observed in an individual with chronic lymphocytic leukemia (Herling et al., 2016); This variant is associated with the following publications: (PMID: 27226433)

Literature cited by the submitters: PubMed 23807571 (cited by Labcorp Genetics (formerly Invitae), Labcorp); PubMed 25614872 (cited by Labcorp Genetics (formerly Invitae), Labcorp).